The following is an entry in ClinVar:

ClinVar aggregate classification (germline): Uncertain significance. Review status: criteria provided, multiple submitters, no conflicts (2 of 4 stars). 2 submissions from 2 submitters: Uncertain significance (2). Last evaluated 2024-10-28.

Conditions:
Bardet-Biedl syndrome 20. Identifiers: MedGen C4310707, MONDO:0023670, OMIM 619471, MONDO:0014926.
Short-rib thoracic dysplasia 10 with or without polydactyly (SRTD10). Identifiers: Orphanet 474, MedGen C3810175, MONDO:0014284, OMIM 615630.
Retinitis pigmentosa 71 (RP71). Identifiers: Orphanet 791, MedGen C4225342, MONDO:0014618, OMIM 616394.

Submissions (2):

Labcorp Genetics (formerly Invitae), Labcorp
Classification: Uncertain significance for Retinitis pigmentosa 71; Short-rib thoracic dysplasia 10 with or without polydactyly. Last evaluated: 2024-10-28. Review status: criteria provided, single submitter. Criteria: Invitae Variant Classification Sherloc (09022015). Collection method: clinical testing. Allele origin: germline.
Comment: This sequence change replaces threonine, which is neutral and polar, with alanine, which is neutral and non-polar, at codon 617 of the IFT172 protein (p.Thr617Ala). This variant is not present in population databases (gnomAD no frequency). This variant has not been reported in the literature in individuals affected with IFT172-related conditions. ClinVar contains an entry for this variant (Variation ID: 938770). Invitae Evidence Modeling of protein sequence and biophysical properties (such as structural, functional, and spatial information, amino acid conservation, physicochemical variation, residue mobility, and thermodynamic stability) indicates that this missense variant is not expected to disrupt IFT172 protein function with a negative predictive value of 95%. In summary, the available evidence is currently insufficient to determine the role of this variant in disease. Therefore, it has been classified as a Variant of Uncertain Significance.

Fulgent Genetics
Classification: Uncertain significance for Short-rib thoracic dysplasia 10 with or without polydactyly; Retinitis pigmentosa 71; Bardet-Biedl syndrome 20. Last evaluated: 2024-03-31. Review status: criteria provided, single submitter. Criteria: ACMG Guidelines, 2015. Collection method: clinical testing. Allele origin: germline.

NM_015662.3(IFT172):c.1849A>G (p.Thr617Ala)

Gene: IFT172 (intraflagellar transport 172; minus strand). Cytogenetic location: 2p23.3.
Variant type: single nucleotide variant.
Coding change: c.1849A>G on transcript NM_015662.3 (MANE Select); coding-DNA position 1849, A replaced by G.
Protein change: p.Thr617Ala; replaces threonine 617 with alanine.
Molecular consequence: missense variant.
Genome position (GRCh38, 1-based): chr2:27,465,499, T>C on the plus strand (A>G on the coding strand, the complement: IFT172 is on the minus strand). VCF-style: chr2-27465499-T-C. GRCh37 (hg19) VCF-style: chr2-27688366-T-C.
Other names: short protein forms T617A.
Identifiers: ClinVar variation 938770 (VCV000938770.10), dbSNP rs1403737174, ClinGen allele CA346386591.